The following is an entry in ClinVar:

ClinVar aggregate classification (germline): Uncertain significance (1 of 4 stars; one submission).

Allele frequency attached by ClinVar (database versions not stated): gnomAD 0.00001.
gnomAD v4.1: 1 of 1,612,848 alleles (0.000062%); highest among the groups gnomAD compares: African/African-American, 0.0013%; no homozygotes.

Submission:

Labcorp Genetics (formerly Invitae), Labcorp
Classification: Uncertain significance. Last evaluated: 2021-02-25. Review status: criteria provided, single submitter. Criteria: Invitae Variant Classification Sherloc (09022015). Collection method: clinical testing. Allele origin: germline.
Comment: This sequence change replaces tyrosine with phenylalanine at codon 1011 of the MSH3 protein (p.Tyr1011Phe). The tyrosine residue is moderately conserved and there is a small physicochemical difference between tyrosine and phenylalanine. This variant is not present in population databases (ExAC no frequency). This variant has not been reported in the literature in individuals with MSH3-related conditions. Algorithms developed to predict the effect of missense changes on protein structure and function are either unavailable or do not agree on the potential impact of this missense change (SIFT: "Tolerated"; PolyPhen-2: "Possibly Damaging"; Align-GVGD: "Class C0"). In summary, the available evidence is currently insufficient to determine the role of this variant in disease. Therefore, it has been classified as a Variant of Uncertain Significance.

NM_002439.5(MSH3):c.3032A>T (p.Tyr1011Phe)

Gene: MSH3 (mutS homolog 3; plus strand). Cytogenetic location: 5q14.1.
Variant type: single nucleotide variant.
Coding change: c.3032A>T on transcript NM_002439.5 (MANE Select); coding-DNA position 3032, A replaced by T.
Protein change: p.Tyr1011Phe; replaces tyrosine 1011 with phenylalanine.
Molecular consequence: missense variant.
Genome position (GRCh38, 1-based): chr5:80,864,844, A>T. VCF-style: chr5-80864844-A-T. GRCh37 (hg19) VCF-style: chr5-80160663-A-T.
Other names: short protein forms Y1011F.
Identifiers: ClinVar variation 1010533 (VCV001010533.8), dbSNP rs1200660969, ClinGen allele CA360346152.